The following is an entry in ClinVar:

NM_017849.4(TMEM127):c.340G>C (p.Asp114His)

Gene: TMEM127 (transmembrane protein 127; minus strand). Cytogenetic location: 2q11.2.
Variant type: single nucleotide variant.
Coding change: c.340G>C on transcript NM_017849.4 (MANE Select); coding-DNA position 340, G replaced by C.
Protein change: p.Asp114His; replaces aspartic acid 114 with histidine.
Molecular consequence: missense variant.
Genome position (GRCh38, 1-based): chr2:96,254,902, C>G on the plus strand (G>C on the coding strand, the complement: TMEM127 is on the minus strand). VCF-style: chr2-96254902-C-G. GRCh37 (hg19) VCF-style: chr2-96920640-C-G.
Other names: c.340G>C, p.Asp114His (NM_001193304.3); c.88G>C, p.Asp30His (NM_001407282.1, NM_001407283.1); short protein forms D114H, D30H.
Identifiers: ClinVar variation 2679217 (VCV002679217.3), dbSNP rs1684170746, ClinGen allele CA347653403.
Genomic context (GRCh38, chr2:96,254,902, plus strand): 5'-TATGGGCGAAGGCATAGCGACGAGTGATCTTCAGAGCAGGATGCTTCGGCCCAAAGACAT[C>G]CAGAAGGAAAGCGGAGAGACTACACAGGATGCCCAGGAAACAGAAGGCGGCGATGACCCG-3'
Protein context (NP_060319.1, residues 104-124): ILCSLSAFLL[Asp114His]VFGPKHPALK

ClinVar aggregate classification (germline): Uncertain significance. Review status: criteria provided, multiple submitters, no conflicts (2 of 4 stars). 3 submissions from 3 submitters: Uncertain significance (3). Last evaluated 2025-12-03.

Conditions:
Hereditary cancer-predisposing syndrome. Also called: Hereditary neoplastic syndrome; Neoplastic Syndromes, Hereditary; Tumor predisposition; Hereditary Cancer Syndrome. Identifiers: Orphanet 140162, MedGen C0027672, MeSH D009386, MONDO:0015356.
Hereditary pheochromocytoma and paraganglioma. Also called: Hereditary Paraganglioma-Pheochromocytoma Syndromes; Hereditary pheochromocytoma-paraganglioma; Hereditary paragangliomas and pheochromocytomas. Identifiers: Orphanet 29072, MedGen C4274332, MONDO:0017366.
Pheochromocytoma. Also called: MAX-Related Hereditary Paraganglioma-Pheochromocytoma Syndrome. Identifiers: Orphanet 29072, MedGen C0031511, MONDO:0008233, OMIM 171300, HP:0002666.

Submissions (3):

Ambry Genetics
Classification: Uncertain significance for Hereditary cancer-predisposing syndrome. Last evaluated: 2025-12-03. Review status: criteria provided, single submitter. Criteria: Ambry Variant Classification Scheme 2023. Collection method: clinical testing. Allele origin: germline.
Comment: The p.D114H variant (also known as c.340G>C), located in coding exon 2 of the TMEM127 gene, results from a G to C substitution at nucleotide position 340. The aspartic acid at codon 114 is replaced by histidine, an amino acid with similar properties. This amino acid position is highly conserved in available vertebrate species. In addition, this alteration is predicted to be deleterious by in silico analysis. Based on the available evidence, the clinical significance of this variant remains unclear.

Labcorp Genetics (formerly Invitae), Labcorp
Classification: Uncertain significance for Hereditary pheochromocytoma and paraganglioma. Last evaluated: 2025-06-05. Review status: criteria provided, single submitter. Criteria: Invitae Variant Classification Sherloc (09022015). Collection method: clinical testing. Allele origin: germline.
Comment: This sequence change replaces aspartic acid, which is acidic and polar, with histidine, which is basic and polar, at codon 114 of the TMEM127 protein (p.Asp114His). This variant is not present in population databases (gnomAD no frequency). This variant has not been reported in the literature in individuals affected with TMEM127-related conditions. ClinVar contains an entry for this variant (Variation ID: 2679217). An algorithm developed to predict the effect of missense changes on protein structure and function (PolyPhen-2) suggests that this variant is likely to be disruptive. In summary, the available evidence is currently insufficient to determine the role of this variant in disease. Therefore, it has been classified as a Variant of Uncertain Significance.

Baylor Genetics
Classification: Uncertain significance for Pheochromocytoma. Last evaluated: 2023-06-07. Review status: criteria provided, single submitter. Criteria: ACMG Guidelines, 2015. Collection method: clinical testing. Allele origin: unknown.